The following is an entry in ClinVar:

ClinVar aggregate classification (germline): Pathogenic. Review status: criteria provided, multiple submitters, no conflicts (2 of 4 stars). 6 submissions from 6 submitters: Pathogenic (6). Last evaluated 2024-01-12.

Conditions:
Familial ovarian cancer. Identifiers: MedGen C5679802, MONDO:0016248.
Fanconi anemia complementation group J. Also called: BRIP1-Related Fanconi Anemia. Identifiers: Orphanet 84, MedGen C1836860, MONDO:0012187, OMIM 609054.
Familial cancer of breast. Also called: BREAST CANCER, FAMILIAL; hereditary breast carcinoma; Hereditary breast cancer. Identifiers: Orphanet 227535, MedGen C0346153, MONDO:0016419, OMIM 114480. Disease mechanism: loss of function.
Hereditary cancer-predisposing syndrome. Also called: Tumor predisposition; Neoplastic Syndromes, Hereditary; Hereditary Cancer Syndrome; Hereditary neoplastic syndrome. Identifiers: Orphanet 140162, MedGen C0027672, MeSH D009386, MONDO:0015356.

Allele frequency attached by ClinVar (database versions not stated): gnomAD exomes below 0.00001.
gnomAD v4.1: 2 of 1,613,800 alleles (0.00012%); highest among the groups gnomAD compares: Non-Finnish European, 0.00017%; no homozygotes.

Submissions (6):

Ambry Genetics
Classification: Pathogenic for Hereditary cancer-predisposing syndrome. Last evaluated: 2024-01-12. Review status: criteria provided, single submitter. Criteria: Ambry Variant Classification Scheme 2023. Collection method: clinical testing. Allele origin: germline.
Comment: The p.Q740* pathogenic mutation (also known as c.2218C>T), located in coding exon 14 of the BRIP1 gene, results from a C to T substitution at nucleotide position 2218. This changes the amino acid from a glutamine to a stop codon within coding exon 14. This variant is considered to be rare based on population cohorts in the Genome Aggregation Database (gnomAD). This alteration is expected to result in loss of function by premature protein truncation or nonsense-mediated mRNA decay. As such, this alteration is interpreted as a disease-causing mutation.

Labcorp Genetics (formerly Invitae), Labcorp
Classification: Pathogenic for Familial cancer of breast; Fanconi anemia complementation group J. Last evaluated: 2023-12-25. Review status: criteria provided, single submitter. Criteria: Invitae Variant Classification Sherloc (09022015). Collection method: clinical testing. Allele origin: germline.
Comment: This sequence change creates a premature translational stop signal (p.Gln740*) in the BRIP1 gene. It is expected to result in an absent or disrupted protein product. Loss-of-function variants in BRIP1 are known to be pathogenic (PMID: 16116423, 17033622, 21964575). This variant is not present in population databases (gnomAD no frequency). This variant has not been reported in the literature in individuals affected with BRIP1-related conditions. ClinVar contains an entry for this variant (Variation ID: 491435). RNA analysis performed to evaluate the impact of this premature translational stop signal on mRNA splicing indicates it does not significantly alter splicing (Invitae). For these reasons, this variant has been classified as Pathogenic.

KCCC/NGS Laboratory, Kuwait Cancer Control Center
Classification: Pathogenic for Familial cancer of breast. Last evaluated: 2023-10-24. Review status: criteria provided, single submitter. Criteria: ACMG Guidelines, 2015. Collection method: clinical testing. Allele origin: germline. Inheritance: Autosomal dominant inheritance. Affected: yes. Observed: 1 heterozygote.
Comment: This sequence change creates a premature translational stop signal (p.Gln740*) in the BRIP1 gene. It is expected to result in an absent or disrupted protein product. Loss-of-function variants in BRIP1 are known to be pathogenic (PMID: 16116423, 17033622, 21964575). This variant is not present in population databases (gnomAD no frequency). This variant has not been reported in the literature in individuals affected with BRIP1-related conditions. ClinVar contains an entry for this variant (Variation ID: 546045). Therefore, this variant has been classified as Pathogenic.

Myriad Genetics, Inc.
Classification: Pathogenic for Familial cancer of breast. Last evaluated: 2023-06-06. Review status: criteria provided, single submitter. Criteria: Myriad Autosomal Dominant, Autosomal Recessive and X-Linked Classification Criteria (2023). Collection method: clinical testing. Allele origin: unknown.
Comment: This variant is considered pathogenic. This variant creates a termination codon and is predicted to result in premature protein truncation.

Department of Pathology and Laboratory Medicine, Sinai Health System
Classification: Pathogenic for familial ovarian cancer. Last evaluated: 2021-06-10. Review status: criteria provided, single submitter. Criteria: ACMG Guidelines, 2015. Collection method: clinical testing. Allele origin: germline. Affected: no.

Color Diagnostics, LLC DBA Color Health
Classification: Pathogenic for Hereditary cancer-predisposing syndrome. Last evaluated: 2015-11-16. Review status: criteria provided, single submitter. Criteria: ACMG Guidelines, 2015. Collection method: clinical testing. Allele origin: germline.

Literature cited by the submitters: PubMed 16116423 (cited by Labcorp Genetics (formerly Invitae), Labcorp); PubMed 17033622 (cited by Labcorp Genetics (formerly Invitae), Labcorp); PubMed 21964575 (cited by Labcorp Genetics (formerly Invitae), Labcorp).

NM_032043.3(BRIP1):c.2218C>T (p.Gln740Ter)

Gene: BRIP1 (BRCA1 interacting DNA helicase 1; minus strand). Cytogenetic location: 17q23.2.
Variant type: single nucleotide variant.
Coding change: c.2218C>T on transcript NM_032043.3 (MANE Select); coding-DNA position 2218, C replaced by T.
Protein change: p.Gln740Ter; replaces glutamine 740 with a stop codon.
Molecular consequence: nonsense.
Genome position (GRCh38, 1-based): chr17:61,744,471, G>A on the plus strand (C>T on the coding strand, the complement: BRIP1 is on the minus strand). VCF-style: chr17-61744471-G-A. GRCh37 (hg19) VCF-style: chr17-59821832-G-A.
Other names: short protein forms Q740*.
Identifiers: ClinVar variation 491435 (VCV000491435.11), dbSNP rs1555591361, ClinGen allele CA400482947.